The following is an entry in ClinVar:

ClinVar aggregate classification (germline): Uncertain significance. Review status: criteria provided, multiple submitters, no conflicts (2 of 4 stars). 2 submissions from 2 submitters: Uncertain significance (2). Last evaluated 2025-01-10.

Conditions:
Inborn genetic diseases. Identifiers: MedGen C0950123, MeSH D030342.

gnomAD v4.1: 12 of 1,612,062 alleles (0.00074%); highest among the groups gnomAD compares: South Asian, 0.0033%; no homozygotes.

Submissions (2):

Ambry Genetics
Classification: Uncertain significance for Inborn genetic diseases. Last evaluated: 2025-01-10. Review status: criteria provided, single submitter. Criteria: Ambry Variant Classification Scheme 2023. Collection method: clinical testing. Allele origin: germline.

Labcorp Genetics (formerly Invitae), Labcorp
Classification: Uncertain significance. Last evaluated: 2024-04-12. Review status: criteria provided, single submitter. Criteria: Invitae Variant Classification Sherloc (09022015). Collection method: clinical testing. Allele origin: germline.
Comment: This sequence change replaces tyrosine, which is neutral and polar, with histidine, which is basic and polar, at codon 207 of the SLC24A5 protein (p.Tyr207His). This variant is present in population databases (rs768020597, gnomAD 0.007%). This variant has not been reported in the literature in individuals affected with SLC24A5-related conditions. Advanced modeling of protein sequence and biophysical properties (such as structural, functional, and spatial information, amino acid conservation, physicochemical variation, residue mobility, and thermodynamic stability) performed at Invitae indicates that this missense variant is expected to disrupt SLC24A5 protein function with a positive predictive value of 80%. In summary, the available evidence is currently insufficient to determine the role of this variant in disease. Therefore, it has been classified as a Variant of Uncertain Significance.

NM_205850.3(SLC24A5):c.619T>C (p.Tyr207His)

Genes: MYEF2 (myelin expression factor 2; minus strand), SLC24A5 (solute carrier family 24 member 5; plus strand). Cytogenetic location: 15q21.1.
Variant type: single nucleotide variant.
Coding change: c.619T>C on transcript NM_205850.3 (MANE Select); coding-DNA position 619, T replaced by C.
Protein change: p.Tyr207His; replaces tyrosine 207 with histidine.
Molecular consequence: missense variant. On other transcripts: 3 prime UTR variant (2).
Genome position (GRCh38, 1-based): chr15:48,136,711, T>C. VCF-style: chr15-48136711-T-C. GRCh37 (hg19) VCF-style: chr15-48428908-T-C.
Other names: c.*6197A>G (NM_001301210.2, NM_016132.5); c.619T>C (NM_205850.2); short protein forms Y207H.
Identifiers: ClinVar variation 3729744 (VCV003729744.3).